The following is an entry in ClinVar:

NM_003748.4(ALDH4A1):c.1417A>G (p.Thr473Ala)

Genes: ALDH4A1 (aldehyde dehydrogenase 4 family member A1; minus strand), LOC120893116 (Sharpr-MPRA regulatory region 7483; plus strand). Cytogenetic location: 1p36.13.
Variant type: single nucleotide variant.
Coding change: c.1417A>G on transcript NM_003748.4 (MANE Select); coding-DNA position 1417, A replaced by G.
Protein change: p.Thr473Ala; replaces threonine 473 with alanine.
Molecular consequence: missense variant.
Genome position (GRCh38, 1-based): chr1:18,875,425, T>C on the plus strand (A>G on the coding strand, the complement: ALDH4A1 is on the minus strand). VCF-style: chr1-18875425-T-C. GRCh37 (hg19) VCF-style: chr1-19201919-T-C.
Other names: c.1417A>G (NM_170726.2); c.1237A>G, p.Thr413Ala (NM_001161504.2); c.1264A>G, p.Thr422Ala (NM_001319218.2); c.1417A>G, p.Thr473Ala (NM_170726.3); short protein forms T473A, T413A, T422A.
Identifiers: ClinVar variation 294366 (VCV000294366.16), dbSNP rs6695033, ClinGen allele CA646910.
Genomic context (GRCh38, chr1:18,875,425, plus strand): 5'-GCGGCCTGGCCACTCACTTATCCTGGGAGAACACTGCCCCCGTGAGGCCATAGCTGGTGG[T>C]GCTGTCAACCAGCTGCAGCGTCTCCTTGTACTTGTCATCCGGGTAGACGTACACAGACAG-3'
Protein context (NP_003739.2, residues 463-483): YKETLQLVDS[Thr473Ala]TSYGLTGAVF

ClinVar aggregate classification (germline): Benign. Review status: criteria provided, multiple submitters, no conflicts (2 of 4 stars). 4 submissions from 4 submitters: Benign (4). Last evaluated 2026-09-08.

Conditions:
ALDH4A1-related disorder. Also called: ALDH4A1-related condition.
Hyperprolinemia type 2 (HYRPRO2). Also called: Delta-1-pyrroline-5-carboxylate dehydrogenase deficiency; 1-PYRROLINE-5-CARBOXYLATE DEHYDROGENASE DEFICIENCY; Deficiency of pyrroline-5-carboxylate reductase. Identifiers: Orphanet 79101, MedGen C2931835, MONDO:0009401, OMIM 239510.

Allele frequency attached by ClinVar (database versions not stated): gnomAD exomes 0.02439 and 0.03097; ExAC 0.03354; gnomAD 0.06223 and 0.06532; 1000 Genomes Project 0.06550; 1000 Genomes Project 30x 0.06668; ESP Exome Variant Server 0.06758; TOPMed 0.06761.
gnomAD v4.1: 45,572 of 1,614,048 alleles (2.8%); highest among the groups gnomAD compares: African/African-American, 16%; 1,503 homozygotes.

Submissions (4):

PreventionGenetics, part of Exact Sciences
Classification: Benign for ALDH4A1-related condition. Last evaluated: 2026-09-08. Review status: criteria provided, single submitter. Criteria: ACMG Guidelines, 2015. Collection method: clinical testing. Allele origin: germline.
Comment: This variant is classified as benign based on ACMG/AMP sequence variant interpretation guidelines (Richards et al. 2015 PMID: 25741868, with internal and published modifications).

Labcorp Genetics (formerly Invitae), Labcorp
Classification: Benign for Hyperprolinemia type 2. Last evaluated: 2026-02-02. Review status: criteria provided, single submitter. Criteria: Invitae Variant Classification Sherloc (09022015). Collection method: clinical testing. Allele origin: germline.

Illumina Laboratory Services, Illumina
Classification: Benign for Hyperprolinemia type 2. Last evaluated: 2018-01-12. Review status: criteria provided, single submitter. Criteria: ICSL Variant Classification Criteria 13 December 2019. Collection method: clinical testing. Allele origin: germline.
Comment: This variant was observed in the ICSL laboratory as part of a predisposition screen in an ostensibly healthy population. It had not been previously curated by ICSL or reported in the Human Gene Mutation Database (HGMD: prior to June 1st, 2018), and was therefore a candidate for classification through an automated scoring system. Utilizing variant allele frequency, disease prevalence and penetrance estimates, and inheritance mode, an automated score was calculated to assess if this variant is too frequent to cause the disease. Based on the score and internal cut-off values, a variant classified as benign is not then subjected to further curation. The score for this variant resulted in a classification of benign for this disease.

Breakthrough Genomics
Classification: Benign. Review status: criteria provided, single submitter. Criteria: ACMG Guidelines, 2015. Collection method: not provided. Allele origin: germline. Inheritance: Autosomal recessive inheritance. Affected: yes.